The following is an entry in ClinVar:

ClinVar aggregate classification (germline): Pathogenic (0 of 4 stars; one submission).

Conditions:
Ornithine carbamoyltransferase deficiency (OTCD). Also called: ORNITHINE TRANSCARBAMYLASE DEFICIENCY, HYPERAMMONEMIA DUE TO; ORNITHINE TRANSCARBAMYLASE DEFICIENCY; Ornithine Carbamoyltransferase Deficiency Disease; OTC DEFICIENCY. Identifiers: Orphanet 664, MedGen C0268542, MONDO:0010703, OMIM 311250.

Submission:

Foundation for Research in Genetics and Endocrinology, FRIGE's Institute of Human Genetics
Classification: Pathogenic for Ornithine carbamoyltransferase deficiency. Last evaluated: 2017-04-25. Review status: no assertion criteria provided. Collection method: clinical testing. Allele origin: germline. Inheritance: X-linked recessive inheritance. Affected: yes. Observed: 1 variant allele, 1 hemizygote.
Comment: The observed variant is not reported in 1000 genomes and is likely to be pathogenic by In Silico analysis using Mutation Taster, SIFT and Polyphen2.

NM_000531.6(OTC):c.517C>G (p.Leu173Val)

Gene: OTC (ornithine transcarbamylase; plus strand). Cytogenetic location: Xp11.4.
Variant type: single nucleotide variant.
Coding change: c.517C>G on transcript NM_000531.6 (MANE Select); coding-DNA position 517, C replaced by G.
Protein change: p.Leu173Val; replaces leucine 173 with valine.
Molecular consequence: missense variant.
Genome position (GRCh38, 1-based): chrX:38,401,405, C>G. VCF-style: chrX-38401405-C-G. GRCh37 (hg19) VCF-style: chrX-38260658-C-G.
Other names: short protein forms L173V.
Identifiers: ClinVar variation 430717 (VCV000430717.2), dbSNP rs1131692152, ClinGen allele CA412723953.